The following is an entry in ClinVar:

NM_018723.4(RBFOX1):c.724A>G (p.Ser242Gly)

Gene: RBFOX1 (RNA binding fox-1 homolog 1; plus strand). Cytogenetic location: 16p13.3.
Variant type: single nucleotide variant.
Coding change: c.724A>G on transcript NM_018723.4 (MANE Select); coding-DNA position 724, A replaced by G.
Protein change: p.Ser242Gly; replaces serine 242 with glycine.
Molecular consequence: missense variant. On other transcripts: intron variant (13).
Genome position (GRCh38, 1-based): chr16:7,630,650, A>G. VCF-style: chr16-7630650-A-G. GRCh37 (hg19) VCF-style: chr16-7680652-A-G.
Other names: c.706A>G, p.Ser236Gly (NM_001415905.1); c.760A>G, p.Ser254Gly (NM_001415908.1); c.739A>G, p.Ser247Gly (NM_001415910.1); c.730A>G, p.Ser244Gly (NM_001415911.1, NM_001415902.1); c.631A>G, p.Ser211Gly (NM_001415916.1); c.784A>G, p.Ser262Gly (NM_145891.3, NM_145892.3, NM_145893.3 and 2 more transcripts); c.1274-23165A>G (NM_001415888.1); c.677-23165A>G (NM_001142333.2); and 12 more; short protein forms S236G, S267G, S278G, S211G, S242G, S244G, S262G, S254G.
Identifiers: ClinVar variation 2909229 (VCV002909229.3), dbSNP rs567736615, ClinGen allele CA7891645.
Genomic context (GRCh38, chr16:7,630,650, plus strand): 5'-CTCTCTTTCGTAGGCACGGTCCTGTTGTGCCAGGCCAACCAGGAGGGATCTTCCATGTAC[A>G]GTGCCCCCAGTTCACTTGTATATACTTCTGCAAGTAAGCCCACTGTCGTGGCTCTTTTTG-3'
Protein context (NP_061193.2, residues 232-252): QANQEGSSMY[Ser242Gly]APSSLVYTSA

ClinVar aggregate classification (germline): Uncertain significance (1 of 4 stars; one submission).

Conditions:
Idiopathic generalized epilepsy. Also called: Generalised epilepsy; EIG. Identifiers: MedGen C0270850, MONDO:0005579, OMIM 600669.

Allele frequency attached by ClinVar (database versions not stated): TOPMed below 0.00001; ExAC 0.00001; gnomAD 0.00001; gnomAD exomes 0.00001; 1000 Genomes Project 30x 0.00016; 1000 Genomes Project 0.00020.
gnomAD v4.1: 6 of 1,614,060 alleles (0.00037%); highest among the groups gnomAD compares: South Asian, 0.0011%; no homozygotes.

Submission:

Labcorp Genetics (formerly Invitae), Labcorp
Classification: Uncertain significance for Idiopathic generalized epilepsy. Last evaluated: 2023-08-27. Review status: criteria provided, single submitter. Criteria: Invitae Variant Classification Sherloc (09022015). Collection method: clinical testing. Allele origin: germline.
Comment: This sequence change replaces serine, which is neutral and polar, with glycine, which is neutral and non-polar, at codon 262 of the RBFOX1 protein (p.Ser262Gly). This variant is not present in population databases (gnomAD no frequency). This variant has not been reported in the literature in individuals affected with RBFOX1-related conditions. Advanced modeling of protein sequence and biophysical properties (such as structural, functional, and spatial information, amino acid conservation, physicochemical variation, residue mobility, and thermodynamic stability) performed at Invitae indicates that this missense variant is not expected to disrupt RBFOX1 protein function. In summary, the available evidence is currently insufficient to determine the role of this variant in disease. Therefore, it has been classified as a Variant of Uncertain Significance.